The following is an entry in ClinVar:

NM_000642.3(AGL):c.2681+5G>C

Gene: AGL (amylo-alpha-1,6-glucosidase and 4-alpha-glucanotransferase; plus strand). Cytogenetic location: 1p21.2.
Variant type: single nucleotide variant.
Coding change: c.2681+5G>C on transcript NM_000642.3 (MANE Select); 5 bases into the intron after coding-DNA position 2681, G replaced by C.
Molecular consequence: intron variant.
Genome position (GRCh38, 1-based): chr1:99,884,708, G>C. VCF-style: chr1-99884708-G-C. GRCh37 (hg19) VCF-style: chr1-100350264-G-C.
Other names: c.2681+5G>C (NM_000643.3, NM_000644.3, NM_001425326.1 and 2 more transcripts); c.2633+5G>C (NM_000646.3); c.2480+5G>C (NM_001425327.1); c.2477+5G>C (NM_001425328.1); c.2342+257G>C (NM_001425329.1); c.2303+5G>C (NM_001425332.1).
Identifiers: ClinVar variation 1172777 (VCV001172777.3), dbSNP rs1249689678, ClinGen allele CA524708350.

ClinVar aggregate classification (germline): Conflicting classifications of pathogenicity. Review status: criteria provided, conflicting classifications (1 of 4 stars). 2 submissions from 2 submitters: Pathogenic (1); Uncertain significance (1). Last evaluated 2026-04-14.

Conditions:
Glycogen storage disease type III (GSD3). Also called: FORBES DISEASE; Cori disease. Identifiers: Orphanet 366, MedGen C0017922, MONDO:0009291, OMIM 232400.

gnomAD v4.1: 1 of 1,613,812 alleles (0.000062%); highest among the groups gnomAD compares: Non-Finnish European, 0.000085%; no homozygotes.

Submissions (2):

Women's Health and Genetics/Laboratory Corporation of America, LabCorp
Classification: Uncertain significance. Last evaluated: 2026-04-14. Review status: criteria provided, single submitter. Criteria: LabCorp Variant Classification Summary - May 2015. Collection method: clinical testing. Allele origin: germline.
Comment: Variant summary: AGL c.2681+5G>C alters a conserved nucleotide located close to a canonical splice site and therefore could affect mRNA splicing, leading to a significantly altered protein sequence. Several computational tools predict a significant impact on normal splicing: Three predict the variant abolishes a 5' splicing donor site. One predict the variant weakens a 5' donor site. However, these predictions have yet to be confirmed by functional studies. The variant allele was found at a frequency of 4e-06 in 250948 control chromosomes. The available data on variant occurrences in the general population are insufficient to allow any conclusion about variant significance. c.2681+5G>C has been observed in an individual affected with Glycogen storage disease type III (Liu_2021). These data do not allow any conclusion about variant significance. To our knowledge, no experimental evidence demonstrating an impact on protein function has been reported. The following publication have been ascertained in the context of this evaluation (PMID: 34298581). ClinVar contains an entry for this variant (Variation ID: 1172777). Based on the evidence outlined above, the variant was classified as uncertain significance.

The Laboratory of Genetics and Metabolism, Hunan Children’s Hospital
Classification: Pathogenic for Glycogen storage disease type III. Last evaluated: 2021-03-06. Review status: criteria provided, single submitter. Criteria: ACMG Guidelines, 2015. Collection method: research. Allele origin: paternal. Affected: yes. Observed: 1 variant allele.
Comment: In compound heterozygosity following autosomal recessive inheritance.

Literature cited by the submitters: PubMed 34298581 (cited by Women's Health and Genetics/Laboratory Corporation of America, LabCorp and The Laboratory of Genetics and Metabolism, Hunan Children’s Hospital).